The following is an entry in ClinVar:

ClinVar aggregate classification (germline): Pathogenic (1 of 4 stars; one submission).

Submission:

Labcorp Genetics (formerly Invitae), Labcorp
Classification: Pathogenic. Last evaluated: 2025-12-10. Review status: criteria provided, single submitter. Criteria: Invitae Variant Classification Sherloc (09022015). Collection method: clinical testing. Allele origin: germline.
Comment: This sequence change creates a premature translational stop signal (p.Tyr801*) in the POLE gene. It is expected to result in an absent or disrupted protein product. Loss-of-function variants in POLE are known to be pathogenic (PMID: 23230001, 25948378, 30503519). This variant is not present in population databases (gnomAD no frequency). This variant has not been reported in the literature in individuals affected with POLE-related conditions. For these reasons, this variant has been classified as Pathogenic.

Literature cited by the submitters: PubMed 23230001; PubMed 25948378; PubMed 30503519.

NM_006231.4(POLE):c.2402_2403insG (p.Tyr801Ter)

Gene: POLE (DNA polymerase epsilon, catalytic subunit; minus strand). Cytogenetic location: 12q24.33.
Variant type: Insertion.
Coding change: c.2402_2403insG on transcript NM_006231.4 (MANE Select); coding-DNA positions 2402 to 2403, G inserted.
Protein change: p.Tyr801Ter; replaces tyrosine 801 with a stop codon.
Molecular consequence: nonsense.
Genome position: GRCh38 VCF-style: chr12-132665367-A-AC. GRCh37 (hg19) VCF-style: chr12-133241953-A-AC.
Other names: short protein forms Y801*.
Identifiers: ClinVar variation 4732879 (VCV004732879.1).